The following is an entry in ClinVar:

NM_001368397.1(FRMPD4):c.1022C>T (p.Ala341Val)

Gene: FRMPD4 (FERM and PDZ domain containing 4; plus strand). Cytogenetic location: Xp22.2.
Variant type: single nucleotide variant.
Coding change: c.1022C>T on transcript NM_001368397.1 (MANE Select); coding-DNA position 1022, C replaced by T.
Protein change: p.Ala341Val; replaces alanine 341 with valine.
Molecular consequence: missense variant.
Genome position (GRCh38, 1-based): chrX:12,701,962, C>T. VCF-style: chrX-12701962-C-T. GRCh37 (hg19) VCF-style: chrX-12720081-C-T.
Other names: c.1133C>T, p.Ala378Val (NM_001368395.3, NM_001368398.3); c.1028C>T, p.Ala343Val (NM_001368396.3); c.1013C>T, p.Ala338Val (NM_001368399.3); c.902C>T, p.Ala301Val (NM_001368400.3); c.998C>T, p.Ala333Val (NM_001368401.1, NM_001368402.3); c.1022C>T, p.Ala341Val (NM_014728.3); short protein forms A338V, A343V, A378V, A341V, A301V, A333V.
Identifiers: ClinVar variation 2614528 (VCV002614528.2), dbSNP rs2519800917, ClinGen allele CA412008497.
Genomic context (GRCh38, chrX:12,701,962, plus strand): 5'-TTGGGCCGGAGCTGAAATATGACATAGCCCTGCGGCTGGCCGCATTACAAATGTACATTG[C>T]AACCGTTACCACCAAGCAAACGCAGAAAATCTCCCTCAAATACATCGAGTAAGTGTTGAC-3'
Protein context (NP_001355326.1, residues 331-351): LRLAALQMYI[Ala341Val]TVTTKQTQKI

ClinVar aggregate classification (germline): Uncertain significance (1 of 4 stars; one submission).

Conditions:
Inborn genetic diseases. Identifiers: MedGen C0950123, MeSH D030342.

Submission:

Ambry Genetics
Classification: Uncertain significance for Inborn genetic diseases. Last evaluated: 2023-08-28. Review status: criteria provided, single submitter. Criteria: Ambry Variant Classification Scheme 2023. Collection method: clinical testing. Allele origin: germline.
Comment: The c.1022C>T (p.A341V) alteration is located in exon 10 (coding exon 10) of the FRMPD4 gene. This alteration results from a C to T substitution at nucleotide position 1022, causing the alanine (A) at amino acid position 341 to be replaced by a valine (V). This variant was not reported in population-based cohorts in the Genome Aggregation Database (gnomAD). This amino acid position is well conserved in available vertebrate species. This alteration is predicted to be tolerated by in silico analysis. Based on insufficient or conflicting evidence, the clinical significance of this alteration remains unclear.